The following is an entry in ClinVar:

ClinVar aggregate classification (germline): Pathogenic. Review status: criteria provided, single submitter (1 of 4 stars). 2 submissions from 2 submitters: Pathogenic (1). 1 of the submissions does not count toward it. Last evaluated 2025-03-01.

Conditions:
GRXCR1-related disorder. Also called: GRXCR1-related condition.

gnomAD v4.1: 13 of 1,612,552 alleles (0.00081%); highest among the groups gnomAD compares: South Asian, 0.0011%; no homozygotes.

Submissions (2):

CeGaT Center for Human Genetics Tuebingen
Classification: Pathogenic. Last evaluated: 2025-03-01. Review status: criteria provided, single submitter. Criteria: CeGaT Center For Human Genetics Tuebingen Variant Classification Criteria Version 2. Collection method: clinical testing. Allele origin: germline. Affected: yes. Observed: 1 variant allele.
Comment: GRXCR1: PVS1, PM2, PM3

PreventionGenetics, part of Exact Sciences
Classification: Likely pathogenic for GRXCR1-related condition. Last evaluated: 2024-06-03. Review status: no assertion criteria provided. Collection method: clinical testing. Allele origin: germline. Not counted in ClinVar's aggregate classification.
Comment: The GRXCR1 c.568C>T variant is predicted to result in premature protein termination (p.Arg190*). This variant was reported in an individual with hearing loss (Table S3, Sloan-Heggen et al. 2016. PubMed ID: 26969326; Budde et al. 2020. PubMed ID: 32279305). This variant is reported in 0.0033% of alleles in individuals of South Asian descent in gnomAD. Nonsense variants in GRXCR1 are expected to be pathogenic. This variant is interpreted as likely pathogenic.

NM_001080476.3(GRXCR1):c.568C>T (p.Arg190Ter)

Gene: GRXCR1 (glutaredoxin and cysteine rich domain containing 1; plus strand). Cytogenetic location: 4p13.
Variant type: single nucleotide variant.
Coding change: c.568C>T on transcript NM_001080476.3 (MANE Select); coding-DNA position 568, C replaced by T.
Protein change: p.Arg190Ter; replaces arginine 190 with a stop codon.
Molecular consequence: nonsense.
Genome position (GRCh38, 1-based): chr4:42,963,075, C>T. VCF-style: chr4-42963075-C-T. GRCh37 (hg19) VCF-style: chr4-42965092-C-T.
Other names: short protein forms R190*.
Identifiers: ClinVar variation 3347037 (VCV003347037.8).